The following is an entry in ClinVar:

NM_001165963.4(SCN1A):c.1025C>T (p.Ala342Val)

Gene: SCN1A (sodium voltage-gated channel alpha subunit 1; minus strand). Cytogenetic location: 2q24.3.
Variant type: single nucleotide variant.
Coding change: c.1025C>T on transcript NM_001165963.4 (MANE Select); coding-DNA position 1025, C replaced by T.
Protein change: p.Ala342Val; replaces alanine 342 with valine.
Molecular consequence: missense variant. On other transcripts: 5 prime UTR variant (1), non-coding transcript variant (1).
Genome position (GRCh38, 1-based): chr2:166,048,889, G>A on the plus strand (C>T on the coding strand, the complement: SCN1A is on the minus strand). VCF-style: chr2-166048889-G-A. GRCh37 (hg19) VCF-style: chr2-166905399-G-A.
Other names: c.1025C>T, p.Ala342Val (NM_001165964.3, NM_001202435.3, NM_001353948.2 and 10 more transcripts); c.-1401C>T (NM_001353961.2); short protein forms A342V.
Identifiers: ClinVar variation 189960 (VCV000189960.1), dbSNP rs794726797, ClinGen allele CA303409.
Genomic context (GRCh38, chr2:166,048,889, plus strand): 5'-ACACATATGTATGTGTACATACAAATATACACAGATACACACAAATTATTGACTTACCCT[G>A]CATCAGAGCTATTTCCACATAGTAGTGCATCTAAAAAACCCTCCAGGAAATAATGATATC-3'
Protein context (NP_001159435.1, residues 332-352): DALLCGNSSD[Ala342Val]GQCPEGYMCV

ClinVar aggregate classification (germline): Pathogenic (1 of 4 stars; one submission).

Conditions:
Severe myoclonic epilepsy in infancy (DRVT). Also called: Epileptic encephalopathy, early infantile, 6 (Dravet syndrome); SEVERE MYOCLONIC EPILEPSY OF INFANCY; DEVELOPMENTAL AND EPILEPTIC ENCEPHALOPATHY 6A; Severe Myoclonic Epilepsy in Infancy (SMEI); Dravet syndrome. Identifiers: Orphanet 33069, MedGen C0751122, MONDO:0100135, OMIM 607208.

Submission:

Center for Bioinformatics, Peking University
Classification: Pathogenic for Dravet syndrome. Last evaluated: 2014-12-20. Review status: criteria provided, single submitter. Criteria: Xu et al. (Hum Mutat. 2015). Collection method: research. Allele origin: de novo. Affected: yes. Observed: 2 variant alleles. Study: University Clinical Cooperation “985 Project” PKU-2014-1-1.
Comment: Dravet syndrome (DS) probands were recruited from the outpatient and inpatient child neurology units of Peking University First Hospital from 2005 till present. The study was approved by the Ethics Committee of Peking University First Hospital and the Institutional Review Board at Peking University. Participants or their parents provided written informed consent before enrollment. We collected a total of 267 mutations from 255 families with probands diagnosed with DS in China. All probands fulfilled the clinical diagnostic criteria.